The following is an entry in ClinVar:

ClinVar aggregate classification (germline): Uncertain significance (1 of 4 stars; one submission).

Conditions:
Ataxia-telangiectasia syndrome (AT). Also called: Cerebello-oculocutaneous telangiectasia; Immunodeficiency with ataxia telangiectasia; AT, COMPLEMENTATION GROUP C; Ataxia-telangiectasia, complementation group E; LOUIS-BAR SYNDROME; ATAXIA-TELANGIECTASIA, COMPLEMENTATION GROUP A. Identifiers: Orphanet 100, MedGen C0004135, MONDO:0008840, OMIM 208900.

Submission:

Labcorp Genetics (formerly Invitae), Labcorp
Classification: Uncertain significance for Ataxia-telangiectasia syndrome. Last evaluated: 2022-05-12. Review status: criteria provided, single submitter. Criteria: Invitae Variant Classification Sherloc (09022015). Collection method: clinical testing. Allele origin: germline.
Comment: This sequence change replaces glutamine, which is neutral and polar, with leucine, which is neutral and non-polar, at codon 476 of the ATM protein (p.Gln476Leu). This variant is not present in population databases (gnomAD no frequency). This variant has not been reported in the literature in individuals affected with ATM-related conditions. Advanced modeling of protein sequence and biophysical properties (such as structural, functional, and spatial information, amino acid conservation, physicochemical variation, residue mobility, and thermodynamic stability) performed at Invitae indicates that this missense variant is not expected to disrupt ATM protein function. In summary, the available evidence is currently insufficient to determine the role of this variant in disease. Therefore, it has been classified as a Variant of Uncertain Significance.

NM_000051.4(ATM):c.1427A>T (p.Gln476Leu)

Gene: ATM (ATM serine/threonine kinase; plus strand). Cytogenetic location: 11q22.3.
Variant type: single nucleotide variant.
Coding change: c.1427A>T on transcript NM_000051.4 (MANE Select); coding-DNA position 1427, A replaced by T.
Protein change: p.Gln476Leu; replaces glutamine 476 with leucine.
Molecular consequence: missense variant.
Genome position (GRCh38, 1-based): chr11:108,250,892, A>T. VCF-style: chr11-108250892-A-T. GRCh37 (hg19) VCF-style: chr11-108121619-A-T.
Other names: c.1427A>T, p.Gln476Leu (NM_001351834.2); short protein forms Q476L.
Identifiers: ClinVar variation 1373932 (VCV001373932.3), dbSNP rs1397399631, ClinGen allele CA382534031.